The following is an entry in ClinVar:

NM_002474.3(MYH11):c.1836C>G (p.Asp612Glu)

Gene: MYH11 (myosin heavy chain 11; minus strand). Cytogenetic location: 16p13.11.
Variant type: single nucleotide variant.
Coding change: c.1836C>G on transcript NM_002474.3 (MANE Select); coding-DNA position 1836, C replaced by G.
Protein change: p.Asp612Glu; replaces aspartic acid 612 with glutamic acid.
Molecular consequence: missense variant.
Genome position (GRCh38, 1-based): chr16:15,753,422, G>C on the plus strand (C>G on the coding strand, the complement: MYH11 is on the minus strand). VCF-style: chr16-15753422-G-C. GRCh37 (hg19) VCF-style: chr16-15847279-G-C.
Other names: c.1857C>G, p.Asp619Glu (NM_001040113.2, NM_001040114.2); c.1836C>G, p.Asp612Glu (NM_022844.3); short protein forms D619E, D612E.
Identifiers: ClinVar variation 837172 (VCV000837172.9), dbSNP rs757513207, ClinGen allele CA394869314.

ClinVar aggregate classification (germline): Uncertain significance (1 of 4 stars; one submission).

Conditions:
Aortic aneurysm, familial thoracic 4 (AAT4). Also called: AORTIC ANEURYSM/AORTIC DISSECTION AND PATENT DUCTUS ARTERIOSUS. Identifiers: MedGen C1851504, MONDO:0007568, OMIM 132900.

gnomAD v4.1: 1 of 1,614,004 alleles (0.000062%); highest among the groups gnomAD compares: African/African-American, 0.0013%; no homozygotes.

Submission:

Labcorp Genetics (formerly Invitae), Labcorp
Classification: Uncertain significance for Aortic aneurysm, familial thoracic 4. Last evaluated: 2019-08-19. Review status: criteria provided, single submitter. Criteria: Invitae Variant Classification Sherloc (09022015). Collection method: clinical testing. Allele origin: germline.
Comment: This sequence change replaces aspartic acid with glutamic acid at codon 619 of the MYH11 protein (p.Asp619Glu). The aspartic acid residue is highly conserved and there is a small physicochemical difference between aspartic acid and glutamic acid. In summary, the available evidence is currently insufficient to determine the role of this variant in disease. Therefore, it has been classified as a Variant of Uncertain Significance. Algorithms developed to predict the effect of missense changes on protein structure and function are either unavailable or do not agree on the potential impact of this missense change (SIFT: "Deleterious"; PolyPhen-2: "Benign"; Align-GVGD: "Class C0"). This variant has not been reported in the literature in individuals with MYH11-related conditions. This variant is not present in population databases (ExAC no frequency).